The following is an entry in ClinVar:

ClinVar aggregate classification (germline): Uncertain significance (1 of 4 stars; one submission).

Conditions:
Hypertrophic cardiomyopathy 14. Identifiers: MedGen C2750467, MONDO:0013197, OMIM 613251.

Allele frequency attached by ClinVar (database versions not stated): gnomAD exomes below 0.00001.
gnomAD v4.1: 2 of 1,613,558 alleles (0.00012%); highest among the groups gnomAD compares: Non-Finnish European, 0.00017%; no homozygotes.

Submission:

Labcorp Genetics (formerly Invitae), Labcorp
Classification: Uncertain significance for Hypertrophic cardiomyopathy 14. Last evaluated: 2023-05-08. Review status: criteria provided, single submitter. Criteria: Invitae Variant Classification Sherloc (09022015). Collection method: clinical testing. Allele origin: germline.
Comment: In summary, the available evidence is currently insufficient to determine the role of this variant in disease. Therefore, it has been classified as a Variant of Uncertain Significance. Variants that disrupt the consensus splice site are a relatively common cause of aberrant splicing (PMID: 17576681, 9536098). Algorithms developed to predict the effect of sequence changes on RNA splicing suggest that this variant is not likely to affect RNA splicing. ClinVar contains an entry for this variant (Variation ID: 946035). This variant has not been reported in the literature in individuals affected with MYH6-related conditions. This variant is not present in population databases (gnomAD no frequency). This sequence change affects codon 1550 of the MYH6 mRNA. It is a 'silent' change, meaning that it does not change the encoded amino acid sequence of the MYH6 protein. This variant also falls at the last nucleotide of exon 32, which is part of the consensus splice site for this exon.

Literature cited by the submitters: PubMed 17576681; PubMed 9536098.

NM_002471.4(MYH6):c.4650G>A (p.Glu1550=)

Gene: MYH6 (myosin heavy chain 6; minus strand). Cytogenetic location: 14q11.2.
Variant type: single nucleotide variant.
Coding change: c.4650G>A on transcript NM_002471.4 (MANE Select); coding-DNA position 4650, G replaced by A.
Protein change: p.Glu1550=; no amino-acid change (glutamic acid 1550 retained).
Molecular consequence: synonymous variant.
Genome position (GRCh38, 1-based): chr14:23,387,529, C>T on the plus strand (G>A on the coding strand, the complement: MYH6 is on the minus strand). VCF-style: chr14-23387529-C-T. GRCh37 (hg19) VCF-style: chr14-23856738-C-T.
Identifiers: ClinVar variation 946035 (VCV000946035.7), dbSNP rs1891067176, ClinGen allele CA485608432.